The following is an entry in ClinVar:

NM_004715.5(CTDP1):c.1986G>A (p.Ala662=)

Gene: CTDP1 (CTD phosphatase 1; plus strand). Cytogenetic location: 18q23.
Variant type: single nucleotide variant.
Coding change: c.1986G>A on transcript NM_004715.5 (MANE Select); coding-DNA position 1986, G replaced by A.
Protein change: p.Ala662=; no amino-acid change (alanine 662 retained).
Molecular consequence: synonymous variant.
Genome position (GRCh38, 1-based): chr18:79,715,446, G>A. VCF-style: chr18-79715446-G-A. GRCh37 (hg19) VCF-style: chr18-77475446-G-A.
Other names: c.1629G>A, p.Ala543= (NM_001202504.1); c.1986G>A, p.Ala662= (NM_001318511.2, NM_048368.4).
Identifiers: ClinVar variation 749245 (VCV000749245.5), dbSNP rs147092934, ClinGen allele CA9010421.
Genomic context (GRCh38, chr18:79,715,446, plus strand): 5'-TGGGCTACACCCGACAAACTTCCCGATAGAGAAGACGCGGGAGCATTACCACGCCACGGC[G>A]CTGGGAGCGAAGATCCTCACTCGGCTGGTGCTGAGCCCCGACGCCCCTGACAGGGCCACG-3'
Protein context (NP_004706.3, residues 652-672): EKTREHYHAT[Ala662=]LGAKILTRLV

ClinVar aggregate classification (germline): Likely benign. Review status: criteria provided, multiple submitters, no conflicts (2 of 4 stars). 3 submissions from 3 submitters: Likely benign (3). Last evaluated 2026-07-27.

Conditions:
CTDP1-related disorder. Also called: CTDP1-related condition.

Allele frequency attached by ClinVar (database versions not stated): gnomAD exomes 0.00002 and 0.00006; ExAC 0.00011; 1000 Genomes Project 30x 0.00016; 1000 Genomes Project 0.00020; TOPMed 0.00025; gnomAD 0.00029 and 0.00031; ESP Exome Variant Server 0.00031.
gnomAD v4.1: 79 of 1,591,850 alleles (0.005%); highest among the groups gnomAD compares: African/African-American, 0.088%; no homozygotes.

Submissions (3):

PreventionGenetics, part of Exact Sciences
Classification: Likely benign for CTDP1-related condition. Last evaluated: 2026-07-27. Review status: criteria provided, single submitter. Criteria: ACMG Guidelines, 2015. Collection method: clinical testing. Allele origin: germline.
Comment: This variant is classified as likely benign based on ACMG/AMP sequence variant interpretation guidelines (Richards et al. 2015 PMID: 25741868, with internal and published modifications).

Labcorp Genetics (formerly Invitae), Labcorp
Classification: Likely benign. Last evaluated: 2018-08-21. Review status: criteria provided, single submitter. Criteria: Invitae Variant Classification Sherloc (09022015). Collection method: clinical testing. Allele origin: germline.

Breakthrough Genomics
Classification: Likely benign. Review status: criteria provided, single submitter. Criteria: ACMG Guidelines, 2015. Collection method: not provided. Allele origin: germline. Inheritance: Autosomal recessive inheritance. Affected: yes.